The following is an entry in ClinVar:

NM_001042492.3(NF1):c.7178dup (p.His2393fs)

Gene: NF1 (neurofibromin 1; plus strand). Cytogenetic location: 17q11.2.
Variant type: Duplication.
Coding change: c.7178dup on transcript NM_001042492.3 (MANE Select); coding-DNA position 7178, one base duplicated (A; older notation c.7178dupA).
Protein change: p.His2393fs; shifts the reading frame from histidine 2393.
Molecular consequence: frameshift variant.
Genome position (GRCh38, 1-based): chr17:31,343,124, A duplicated. VCF-style (leftmost placement, unchanged base first): chr17-31343123-C-CA. GRCh37 (hg19) VCF-style: chr17-29670141-C-CA.
Other names: c.7115dup, p.His2372Glnfs (NM_000267.4); short protein forms H2372fs, H2393fs.
Identifiers: ClinVar variation 1070994 (VCV001070994.5), dbSNP rs2151565309, ClinGen allele CA2499224216.
Genomic context (GRCh38, chr17:31,343,123, plus strand): 5'-CAAATGGATCATTTTGTTGGACTCAATTTCAACTCTAACTTTAACTTTGCATTGGTTGGA[C>CA]ACCTTTTAAAAGGTAAAAAAGCCTTATTTAGAATATTTTTATGAAGTACTATTAAGAAAC-3'

ClinVar aggregate classification (germline): Pathogenic (1 of 4 stars; one submission).

Conditions:
Neurofibromatosis, type 1 (NF1). Also called: VON RECKLINGHAUSEN DISEASE; Peripheral type neurofibromatosis; NEUROFIBROMATOSIS, TYPE I, SOMATIC; Neurofibromatosis, type I. Identifiers: Orphanet 636, MedGen C0027831, MONDO:0018975, OMIM 162200. Disease mechanism: loss of function.

Submission:

Labcorp Genetics (formerly Invitae), Labcorp
Classification: Pathogenic for Neurofibromatosis, type 1. Last evaluated: 2020-10-05. Review status: criteria provided, single submitter. Criteria: Invitae Variant Classification Sherloc (09022015). Collection method: clinical testing. Allele origin: germline.
Comment: For these reasons, this variant has been classified as Pathogenic. Loss-of-function variants in NF1 are known to be pathogenic (PMID: 10712197, 23913538). This variant has not been reported in the literature in individuals with NF1-related conditions. This variant is not present in population databases (ExAC no frequency). This sequence change creates a premature translational stop signal (p.His2372Glnfs*29) in the NF1 gene. It is expected to result in an absent or disrupted protein product.

Literature cited by the submitters: PubMed 10712197; PubMed 23913538.